The following is an entry in ClinVar:

ClinVar aggregate classification (germline): Uncertain significance (1 of 4 stars; one submission).

Conditions:
Cardiovascular phenotype. Identifiers: MedGen CN230736.

gnomAD v4.1: 1 of 1,612,436 alleles (0.000062%); highest among the groups gnomAD compares: African/African-American, 0.0013%; no homozygotes.

Submission:

Ambry Genetics
Classification: Uncertain significance for Cardiovascular phenotype. Last evaluated: 2024-04-19. Review status: criteria provided, single submitter. Criteria: Ambry Variant Classification Scheme 2023. Collection method: clinical testing. Allele origin: germline.
Comment: The p.N667I variant (also known as c.2000A>T) is located in coding exon 16 of the JAG1 gene. The asparagine at codon 667 is replaced by isoleucine, an amino acid with dissimilar properties. This change occurs in the first base pair of coding exon 16. This amino acid position is conserved. In addition, this alteration is predicted to be deleterious by in silico analysis. Based on the available evidence, the clinical significance of this variant remains unclear.

NM_000214.3(JAG1):c.2000A>T (p.Asn667Ile)

Gene: JAG1 (jagged canonical Notch ligand 1; minus strand). Cytogenetic location: 20p12.2.
Variant type: single nucleotide variant.
Coding change: c.2000A>T on transcript NM_000214.3 (MANE Select); coding-DNA position 2000, A replaced by T.
Protein change: p.Asn667Ile; replaces asparagine 667 with isoleucine.
Molecular consequence: missense variant.
Genome position (GRCh38, 1-based): chr20:10,645,469, T>A on the plus strand (A>T on the coding strand, the complement: JAG1 is on the minus strand). VCF-style: chr20-10645469-T-A. GRCh37 (hg19) VCF-style: chr20-10626117-T-A.
Other names: short protein forms N667I.
Identifiers: ClinVar variation 3287113 (VCV003287113.1).
Genomic context (GRCh38, chr20:10,645,469, plus strand): 5'-TTGACCAGGTCGCGACACGTGCCCCCATTGTGGCAGGGGTTCTGGCTGCAGTCATTAATA[T>A]CTAGAATCAAAGGGGAGACAATCGGCTGAAGACGAGATCCAGGACCATTCACGACAGGCG-3'
Protein context (NP_000205.1, residues 657-677): DGWEGAYCET[Asn667Ile]INDCSQNPCH